The following is an entry in ClinVar:

NM_001042492.3(NF1):c.5955A>G (p.Glu1985=)

Gene: NF1 (neurofibromin 1; plus strand). Cytogenetic location: 17q11.2.
Variant type: single nucleotide variant.
Coding change: c.5955A>G on transcript NM_001042492.3 (MANE Select); coding-DNA position 5955, A replaced by G.
Protein change: p.Glu1985=; no amino-acid change (glutamic acid 1985 retained).
Molecular consequence: synonymous variant.
Genome position (GRCh38, 1-based): chr17:31,334,980, A>G. VCF-style: chr17-31334980-A-G. GRCh37 (hg19) VCF-style: chr17-29661998-A-G.
Other names: c.5892A>G, p.Glu1964= (NM_000267.4).
Identifiers: ClinVar variation 457771 (VCV000457771.16), dbSNP rs369043956, ClinGen allele CA8487277.

ClinVar aggregate classification (germline): Benign/Likely benign. Review status: criteria provided, multiple submitters, no conflicts (2 of 4 stars). 4 submissions from 4 submitters: Benign (1); Likely benign (3). Last evaluated 2026-05-20.

Conditions:
Hereditary cancer-predisposing syndrome. Also called: Hereditary neoplastic syndrome; Neoplastic Syndromes, Hereditary; Hereditary Cancer Syndrome; Tumor predisposition. Identifiers: Orphanet 140162, MedGen C0027672, MeSH D009386, MONDO:0015356.
Cardiovascular phenotype. Identifiers: MedGen CN230736.
Neurofibromatosis, type 1 (NF1). Also called: Peripheral type neurofibromatosis; Neurofibromatosis, type I; VON RECKLINGHAUSEN DISEASE; NEUROFIBROMATOSIS, TYPE I, SOMATIC. Identifiers: Orphanet 636, MedGen C0027831, MONDO:0018975, OMIM 162200. Disease mechanism: loss of function.

Allele frequency attached by ClinVar (database versions not stated): gnomAD exomes 0.00002; ExAC 0.00005; ESP Exome Variant Server 0.00008.
gnomAD v4.1: 9 of 1,613,616 alleles (0.00056%); highest among the groups gnomAD compares: Admixed American, 0.005%; no homozygotes.

Submissions (4):

Myriad Genetics, Inc.
Classification: Benign for Neurofibromatosis, type 1. Last evaluated: 2026-05-20. Review status: criteria provided, single submitter. Criteria: Myriad Autosomal Dominant, Autosomal Recessive and X-Linked Classification Criteria (2023). Collection method: clinical testing. Allele origin: unknown.
Comment: This variant is considered benign. This variant is a silent/synonymous amino acid change and it is not expected to impact splicing.

Labcorp Genetics (formerly Invitae), Labcorp
Classification: Likely benign for Neurofibromatosis, type 1. Last evaluated: 2025-12-17. Review status: criteria provided, single submitter. Criteria: Invitae Variant Classification Sherloc (09022015). Collection method: clinical testing. Allele origin: germline.

Genome-Nilou Lab
Classification: Likely benign for Neurofibromatosis, type 1. Last evaluated: 2022-03-15. Review status: criteria provided, single submitter. Criteria: ACMG Guidelines, 2015. Collection method: clinical testing. Allele origin: germline. Affected: no.

Ambry Genetics
Classification: Likely benign for Cardiovascular phenotype; Hereditary cancer-predisposing syndrome. Last evaluated: 2016-06-30. Review status: criteria provided, single submitter. Criteria: Ambry Variant Classification Scheme 2023. Collection method: clinical testing. Allele origin: germline.